The following is an entry in ClinVar:

NM_001323289.2(CDKL5):c.1051G>A (p.Val351Ile)

Gene: CDKL5 (cyclin dependent kinase like 5; plus strand). Cytogenetic location: Xp22.13.
Variant type: single nucleotide variant.
Coding change: c.1051G>A on transcript NM_001323289.2 (MANE Select); coding-DNA position 1051, G replaced by A.
Protein change: p.Val351Ile; replaces valine 351 with isoleucine.
Molecular consequence: missense variant.
Genome position (GRCh38, 1-based): chrX:18,603,975, G>A. VCF-style: chrX-18603975-G-A. GRCh37 (hg19) VCF-style: chrX-18622095-G-A.
Other names: p.V351I:GTA>ATA; c.1051G>A, p.Val351Ile (NM_001037343.2, NM_003159.3); short protein forms V351I.
Identifiers: ClinVar variation 156681 (VCV000156681.7), dbSNP rs587783150, ClinGen allele CA294747.
Genomic context (GRCh38, chrX:18,603,975, plus strand): 5'-AAAAGTACTGCTTTGCAGTCTCACCACAGATCTAACAGCAAGGACATCCAGAACCTGAGT[G>A]TAGGCCTGCCCCGGGCTGACGAAGGTCTCCCTGCCAATGAAAGCTTCCTAAATGGAAACC-3'
Protein context (NP_001310218.1, residues 341-361): SNSKDIQNLS[Val351Ile]GLPRADEGLP

ClinVar aggregate classification (germline): Uncertain significance. Review status: criteria provided, multiple submitters, no conflicts (2 of 4 stars). 2 submissions from 2 submitters: Uncertain significance (2). Last evaluated 2025-07-10.

Conditions:
Developmental and epileptic encephalopathy, 2 (DEE2). Also called: INFANTILE SPASM SYNDROME, X-LINKED 2; CDKL5 deficiency disorder. Identifiers: Orphanet 1934, Orphanet 3451, Orphanet 505652, MedGen C4750718, MONDO:0010396, OMIM 300672.
Angelman syndrome-like. Identifiers: MedGen CN128785.

Allele frequency attached by ClinVar (database versions not stated): gnomAD exomes below 0.00001 and 0.00001.
gnomAD v4.1: 1 of 1,210,943 alleles (0.000083%); highest among the groups gnomAD compares: African/African-American, 0.0017%; no homozygotes.

Submissions (2):

Labcorp Genetics (formerly Invitae), Labcorp
Classification: Uncertain significance for Developmental and epileptic encephalopathy, 2; Angelman syndrome-like. Last evaluated: 2025-07-10. Review status: criteria provided, single submitter. Criteria: Invitae Variant Classification Sherloc (09022015). Collection method: clinical testing. Allele origin: germline.
Comment: This sequence change replaces valine, which is neutral and non-polar, with isoleucine, which is neutral and non-polar, at codon 351 of the CDKL5 protein (p.Val351Ile). This variant is present in population databases (rs587783150, gnomAD 0.001%). This variant has not been reported in the literature in individuals affected with CDKL5-related conditions. ClinVar contains an entry for this variant (Variation ID: 156681). Invitae Evidence Modeling of protein sequence and biophysical properties (such as structural, functional, and spatial information, amino acid conservation, physicochemical variation, residue mobility, and thermodynamic stability) indicates that this missense variant is not expected to disrupt CDKL5 protein function with a negative predictive value of 95%. In summary, the available evidence is currently insufficient to determine the role of this variant in disease. Therefore, it has been classified as a Variant of Uncertain Significance.

GeneDx
Classification: Uncertain significance. Last evaluated: 2013-12-03. Review status: criteria provided, single submitter. Criteria: GeneDx Variant Classification (06012015). Collection method: clinical testing. Allele origin: germline. Affected: yes.
Comment: The Val351Ile missense change in the CDKL5 gene has not been published as a mutation, nor has it been reported as a benign polymorphism to our knowledge. It was not observed in approximately 5,400 individuals of European and African American ancestry in the NHLBI Exome Sequencing Project, indicating it is not a common benign variant in these populations. This variant is a conservative substitution of one uncharged, non-polar amino acid for another at a position that is conserved in mammals but is not conserved in more distantly related species. In silico analysis predicts this variant likely has a benign effect on the protein structure/function. Therefore, based on the currently available information, it is unclear whether Val351Ile is a disease-causing mutation or a rare benign variant. The variant is found in EPILEPSY panel(s).